The following is an entry in ClinVar:

ClinVar aggregate classification (germline): Uncertain significance. Review status: criteria provided, multiple submitters, no conflicts (2 of 4 stars). 3 submissions from 3 submitters: Uncertain significance (3). Last evaluated 2024-09-24.

Submissions (3):

Blueprint Genetics
Classification: Uncertain significance. Last evaluated: 2024-09-24. Review status: criteria provided, single submitter. Criteria: ACMG Guidelines, 2015. Collection method: clinical testing. Allele origin: germline.

Labcorp Genetics (formerly Invitae), Labcorp
Classification: Uncertain significance. Last evaluated: 2024-01-18. Review status: criteria provided, single submitter. Criteria: Invitae Variant Classification Sherloc (09022015). Collection method: clinical testing. Allele origin: germline.
Comment: This sequence change replaces glycine, which is neutral and non-polar, with glutamic acid, which is acidic and polar, at codon 2000 of the TECTA protein (p.Gly2000Glu). This variant also falls at the last nucleotide of exon 19, which is part of the consensus splice site for this exon. This variant is not present in population databases (gnomAD no frequency). This variant has not been reported in the literature in individuals affected with TECTA-related conditions. ClinVar contains an entry for this variant (Variation ID: 666929). An algorithm developed to predict the effect of missense changes on protein structure and function (PolyPhen-2) suggests that this variant is likely to be disruptive. Variants that disrupt the consensus splice site are a relatively common cause of aberrant splicing (PMID: 17576681, 9536098). Algorithms developed to predict the effect of sequence changes on RNA splicing suggest that this variant may disrupt the consensus splice site. In summary, the available evidence is currently insufficient to determine the role of this variant in disease. Therefore, it has been classified as a Variant of Uncertain Significance.

Laboratory for Molecular Medicine, Mass General Brigham Personalized Medicine
Classification: Uncertain significance. Last evaluated: 2018-04-17. Review status: criteria provided, single submitter. Criteria: LMM Criteria. Collection method: clinical testing. Allele origin: germline. Observed: 1 variant allele.
Comment: The p.Gly2000Glu variant in TECTA has not been previously reported in individual s with hearing loss or in large population studies. Computational prediction too ls and conservation analysis suggest that the p.Gly2000Glu variant may impact th e protein, though this information is not predictive enough to determine pathoge nicity. This variant is located in the last three bases of the exon, which is pa rt of the 5? splice region. Computational tools do not suggest an impact to spli cing. However, this information is not predictive enough to rule out pathogenici ty. In summary, the clinical significance of the p.Gly2000Glu variant is uncerta in. ACMG/AMP Criteria applied: PM2; PP3.

Literature cited by the submitters: PubMed 17576681 (cited by Labcorp Genetics (formerly Invitae), Labcorp); PubMed 9536098 (cited by Labcorp Genetics (formerly Invitae), Labcorp).

NM_005422.4(TECTA):c.5999G>A (p.Gly2000Glu)

Genes: TBCEL-TECTA (TBCEL-TECTA readthrough; plus strand), TECTA (tectorin alpha; plus strand). Cytogenetic location: 11q23.3.
Variant type: single nucleotide variant.
Coding change: c.5999G>A on transcript NM_005422.4 (MANE Select); coding-DNA position 5999, G replaced by A.
Protein change: p.Gly2000Glu; replaces glycine 2000 with glutamic acid.
Molecular consequence: missense variant.
Genome position (GRCh38, 1-based): chr11:121,168,925, G>A. VCF-style: chr11-121168925-G-A. GRCh37 (hg19) VCF-style: chr11-121039634-G-A.
Other names: c.6941G>A, p.Gly2314Glu (NM_001378761.1); short protein forms G2000E, G2314E.
Identifiers: ClinVar variation 666929 (VCV000666929.8), dbSNP rs1591464681, ClinGen allele CA383037084.
Genomic context (GRCh38, chr11:121,168,925, plus strand): 5'-GCTATGCCACACCCACCCGAGATAGCAATGATAAGCTCCGATATTTCATCATTGAAGGAG[G>A]GTGAGTAGCCTCTTTATAGACAACATTCTCAGAGCTTCAGGTATAATATTGTCCTCATCA-3'
Protein context (NP_005413.2, residues 1990-2010): DKLRYFIIEG[Gly2000Glu]CQNLKDNTIG